The following is an entry in ClinVar:

NM_000143.4(FH):c.1086A>G (p.Glu362=)

Gene: FH (fumarate hydratase; minus strand). Cytogenetic location: 1q43.
Variant type: single nucleotide variant.
Coding change: c.1086A>G on transcript NM_000143.4 (MANE Select); coding-DNA position 1086, A replaced by G.
Protein change: p.Glu362=; no amino-acid change (glutamic acid 362 retained).
Molecular consequence: synonymous variant.
Genome position (GRCh38, 1-based): chr1:241,504,064, T>C on the plus strand (A>G on the coding strand, the complement: FH is on the minus strand). VCF-style: chr1-241504064-T-C. GRCh37 (hg19) VCF-style: chr1-241667364-T-C.
Identifiers: ClinVar variation 529835 (VCV000529835.15), dbSNP rs1553341008, ClinGen allele CA424075743.
Genomic context (GRCh38, chr1:241,504,064, plus strand): 5'-CAAGTTTTAGCTCCAACATTTACTAGCTATGTGATTACCTGGCATGATACTGCTTCCTGG[T>C]TCATTTTCAGGCAAGATCAATTCTCCCAGACCTGACCGAGGACCAGAACCCAAAAATCGA-3'
Protein context (NP_000134.2, residues 352-372): GLGELILPEN[Glu362=]PGSSIMPGKV

ClinVar aggregate classification (germline): Benign/Likely benign. Review status: criteria provided, multiple submitters, no conflicts (2 of 4 stars). 4 submissions from 4 submitters: Benign (1); Likely benign (3). Last evaluated 2026-03-29.

Conditions:
FH-related disorder. Also called: FH-related condition; FH-related disorders.
Hereditary cancer-predisposing syndrome. Also called: Hereditary neoplastic syndrome; Hereditary Cancer Syndrome; Neoplastic Syndromes, Hereditary; Tumor predisposition. Identifiers: Orphanet 140162, MedGen C0027672, MeSH D009386, MONDO:0015356.
Hereditary leiomyomatosis and renal cell cancer. Also called: MULTIPLE CUTANEOUS AND UTERINE LEIOMYOMATA 1, WITH OR WITHOUT RENAL CELL CARCINOMA; LEIOMYOMA, MULTIPLE CUTANEOUS; FH tumor predisposition syndrome; Reed syndrome; Multiple cutaneous and uterine leiomyomatosis; Cutaneous leiomyomata with uterine leiomyomata. Identifiers: Orphanet 523, MedGen C1708350, MONDO:0007888, OMIM 150800, HP:0007437. Disease mechanism: loss of function.

Allele frequency attached by ClinVar (database versions not stated): gnomAD exomes below 0.00001; TOPMed below 0.00001.
gnomAD v4.1: 7 of 1,614,190 alleles (0.00043%); highest among the groups gnomAD compares: Admixed American, 0.0017%; no homozygotes.

Submissions (4):

PreventionGenetics, part of Exact Sciences
Classification: Likely benign for FH-related condition. Last evaluated: 2026-03-29. Review status: criteria provided, single submitter. Criteria: ACMG Guidelines, 2015. Collection method: clinical testing. Allele origin: germline.
Comment: This variant is classified as likely benign based on ACMG/AMP sequence variant interpretation guidelines (Richards et al. 2015 PMID: 25741868, with internal and published modifications).

Labcorp Genetics (formerly Invitae), Labcorp
Classification: Likely benign. Last evaluated: 2025-10-09. Review status: criteria provided, single submitter. Criteria: Invitae Variant Classification Sherloc (09022015). Collection method: clinical testing. Allele origin: germline.

Myriad Genetics, Inc.
Classification: Benign for Hereditary leiomyomatosis and renal cell cancer. Last evaluated: 2024-10-21. Review status: criteria provided, single submitter. Criteria: Myriad Autosomal Dominant, Autosomal Recessive and X-Linked Classification Criteria (2023). Collection method: clinical testing. Allele origin: unknown.
Comment: This variant is considered benign. This variant is a silent/synonymous amino acid change and it is not expected to impact splicing.

Ambry Genetics
Classification: Likely benign for Hereditary cancer-predisposing syndrome. Last evaluated: 2022-06-21. Review status: criteria provided, single submitter. Criteria: Ambry Variant Classification Scheme 2023. Collection method: clinical testing. Allele origin: germline.